The following is an entry in ClinVar:

NM_005228.5(EGFR):c.2258C>T (p.Pro753Leu)

Gene: EGFR (epidermal growth factor receptor; plus strand). Cytogenetic location: 7p11.2.
Variant type: single nucleotide variant.
Coding change: c.2258C>T on transcript NM_005228.5 (MANE Select); coding-DNA position 2258, C replaced by T.
Protein change: p.Pro753Leu; replaces proline 753 with leucine.
Molecular consequence: missense variant.
Genome position (GRCh38, 1-based): chr7:55,174,795, C>T. VCF-style: chr7-55174795-C-T. GRCh37 (hg19) VCF-style: chr7-55242488-C-T.
Other names: c.2258C>T (NM_005228.3); c.2123C>T, p.Pro708Leu (NM_001346897.2, NM_001346899.2); c.2258C>T, p.Pro753Leu (NM_001346898.2); c.2099C>T, p.Pro700Leu (NM_001346900.2); c.1457C>T, p.Pro486Leu (NM_001346941.2); short protein forms P708L, P753L, P486L, P700L.
Identifiers: ClinVar variation 1025401 (VCV001025401.10), dbSNP rs559717059, ClinGen allele CA4266021.

ClinVar aggregate classification (germline): Conflicting classifications of pathogenicity. Review status: criteria provided, conflicting classifications (1 of 4 stars). 3 submissions from 3 submitters: Uncertain significance (2); Likely benign (1). Last evaluated 2026-01-16.

Conditions:
Lung cancer. Also called: Lung cancer, somatic; Malignant tumor of lung. Identifiers: MedGen C0242379, MONDO:0008903, OMIM 211980.
Hereditary cancer-predisposing syndrome. Also called: Neoplastic Syndromes, Hereditary; Tumor predisposition; Hereditary Cancer Syndrome; Hereditary neoplastic syndrome. Identifiers: Orphanet 140162, MedGen C0027672, MeSH D009386, MONDO:0015356.
EGFR-related lung cancer (EGFR). Identifiers: MedGen CN130014.

Allele frequency attached by ClinVar (database versions not stated): gnomAD 0.00001; gnomAD exomes 0.00001 and 0.00004; TOPMed 0.00001; ExAC 0.00007.
gnomAD v4.1: 17 of 1,613,926 alleles (0.0011%); highest among the groups gnomAD compares: Non-Finnish European, 0.0014%; no homozygotes.

Submissions (3):

Labcorp Genetics (formerly Invitae), Labcorp
Classification: Uncertain significance for EGFR-related lung cancer. Last evaluated: 2026-01-16. Review status: criteria provided, single submitter. Criteria: Invitae Variant Classification Sherloc (09022015). Collection method: clinical testing. Allele origin: germline.
Comment: This sequence change replaces proline, which is neutral and non-polar, with leucine, which is neutral and non-polar, at codon 753 of the EGFR protein (p.Pro753Leu). This variant is present in population databases (rs559717059, gnomAD 0.007%). This missense change has been observed in individual(s) with Ewing-like small round cell tumors (PMID: 26987750). ClinVar contains an entry for this variant (Variation ID: 1025401). Invitae Evidence Modeling of protein sequence and biophysical properties (such as structural, functional, and spatial information, amino acid conservation, physicochemical variation, residue mobility, and thermodynamic stability) has been performed for this missense variant. However, the output from this modeling did not meet the statistical confidence thresholds required to predict the impact of this variant on EGFR protein function. In summary, the available evidence is currently insufficient to determine the role of this variant in disease. Therefore, it has been classified as a Variant of Uncertain Significance.

Ambry Genetics
Classification: Uncertain significance for Hereditary cancer-predisposing syndrome. Last evaluated: 2024-10-17. Review status: criteria provided, single submitter. Criteria: Ambry Variant Classification Scheme 2023. Collection method: clinical testing. Allele origin: germline.
Comment: The p.P753L variant (also known as c.2258C>T), located in coding exon 19 of the EGFR gene, results from a C to T substitution at nucleotide position 2258. The proline at codon 753 is replaced by leucine, an amino acid with similar properties. This amino acid position is highly conserved in available vertebrate species. In addition, the in silico prediction for this alteration is inconclusive. Based on the available evidence, the clinical significance of this variant remains unclear.

Myriad Genetics, Inc.
Classification: Likely benign for Lung cancer. Last evaluated: 2024-10-16. Review status: criteria provided, single submitter. Criteria: Myriad Autosomal Dominant, Autosomal Recessive and X-Linked Classification Criteria (2023). Collection method: clinical testing. Allele origin: unknown.
Comment: This variant is considered likely benign. This variant has been observed at a population frequency that is significantly greater than expected given the associated disease prevalence and penetrance.

Literature cited by the submitters: PubMed 26987750 (cited by Labcorp Genetics (formerly Invitae), Labcorp).